The following is an entry in ClinVar:

ClinVar aggregate classification (germline): Uncertain significance (1 of 4 stars; one submission).

Conditions:
Developmental and epileptic encephalopathy, 8 (DEE8). Also called: HYPEREKPLEXIA AND EPILEPSY. Identifiers: Orphanet 163985, Orphanet 2076, MedGen C1845102, MONDO:0010375, OMIM 300607.

Submission:

Labcorp Genetics (formerly Invitae), Labcorp
Classification: Uncertain significance for Developmental and epileptic encephalopathy, 8. Last evaluated: 2022-05-31. Review status: criteria provided, single submitter. Criteria: Invitae Variant Classification Sherloc (09022015). Collection method: clinical testing. Allele origin: germline.
Comment: In summary, the available evidence is currently insufficient to determine the role of this variant in disease. Therefore, it has been classified as a Variant of Uncertain Significance. This sequence change replaces glycine, which is neutral and non-polar, with valine, which is neutral and non-polar, at codon 434 of the ARHGEF9 protein (p.Gly434Val). This variant is not present in population databases (gnomAD no frequency). This missense change has been observed in individual(s) with clinical features of ARHGEF9-related conditions (Invitae). ClinVar contains an entry for this variant (Variation ID: 1394117). Algorithms developed to predict the effect of missense changes on protein structure and function (SIFT, PolyPhen-2, Align-GVGD) all suggest that this variant is likely to be disruptive. Algorithms developed to predict the effect of sequence changes on RNA splicing suggest that this variant may disrupt the consensus splice site.

NM_001353921.2(ARHGEF9):c.1322G>T (p.Gly441Val)

Gene: ARHGEF9 (Cdc42 guanine nucleotide exchange factor 9; minus strand). Cytogenetic location: Xq11.1.
Variant type: single nucleotide variant.
Coding change: c.1322G>T on transcript NM_001353921.2 (MANE Select); coding-DNA position 1322, G replaced by T.
Protein change: p.Gly441Val; replaces glycine 441 with valine.
Molecular consequence: missense variant.
Genome position (GRCh38, 1-based): chrX:63,644,048, C>A on the plus strand (G>T on the coding strand, the complement: ARHGEF9 is on the minus strand). VCF-style: chrX-63644048-C-A. GRCh37 (hg19) VCF-style: chrX-62863928-C-A.
Other names: c.1142G>T, p.Gly381Val (NM_001173479.2); c.995G>T, p.Gly332Val (NM_001173480.2, NM_001369042.1); c.1238G>T, p.Gly413Val (NM_001330495.2, NM_001369033.1, NM_001369034.1 and 4 more transcripts); c.1190G>T, p.Gly397Val (NM_001353922.2); c.1340G>T, p.Gly447Val (NM_001353923.1); c.1121G>T, p.Gly374Val (NM_001353924.2, NM_001353926.2, NM_001369039.1 and 1 more transcripts); c.1106G>T, p.Gly369Val (NM_001353927.2, NM_001369041.1); c.1169G>T, p.Gly390Val (NM_001353928.2); and 3 more; short protein forms A332S, G369V, G252V, G381V, G413V, G447V, G374V, G434V.
Identifiers: ClinVar variation 1394117 (VCV001394117.6), dbSNP rs2147143865, ClinGen allele CA413402797.